The following is an entry in ClinVar:

ClinVar aggregate classification (germline): Conflicting classifications of pathogenicity. Review status: criteria provided, conflicting classifications (1 of 4 stars). 6 submissions from 6 submitters: Uncertain significance (1); Likely benign (4). 1 of the submissions does not count toward it. Last evaluated 2025-11-27.

Conditions:
COL11A2-related disorder. Also called: COL11A2-related disorders; COL11A2-related condition.

Allele frequency attached by ClinVar (database versions not stated): gnomAD 0.00002; gnomAD exomes 0.00002 and 0.00004; ExAC 0.00003; TOPMed 0.00003.
gnomAD v4.1: 29 of 1,612,920 alleles (0.0018%); highest among the groups gnomAD compares: East Asian, 0.049%; no homozygotes.

Submissions (6):

Labcorp Genetics (formerly Invitae), Labcorp
Classification: Likely benign. Last evaluated: 2025-11-27. Review status: criteria provided, single submitter. Criteria: Invitae Variant Classification Sherloc (09022015). Collection method: clinical testing. Allele origin: germline.

Women's Health and Genetics/Laboratory Corporation of America, LabCorp
Classification: Likely benign. Last evaluated: 2024-11-12. Review status: criteria provided, single submitter. Criteria: LabCorp Variant Classification Summary - May 2015. Collection method: clinical testing. Allele origin: germline.

Blueprint Genetics
Classification: Likely benign. Last evaluated: 2024-09-25. Review status: criteria provided, single submitter. Criteria: ACMG Guidelines, 2015. Collection method: clinical testing. Allele origin: germline.

Eurofins Ntd Llc (ga)
Classification: Uncertain significance. Last evaluated: 2016-09-21. Review status: criteria provided, single submitter. Criteria: EGL Classification Definitions 2015. Collection method: clinical testing. Allele origin: germline. Observed: 1 variant allele, 1 heterozygote.

Laboratory for Molecular Medicine, Mass General Brigham Personalized Medicine
Classification: Likely benign. Last evaluated: 2016-04-12. Review status: criteria provided, single submitter. Criteria: LMM Criteria. Collection method: clinical testing. Allele origin: germline. Observed: 1 variant allele.
Comment: p.Thr1702Thr in exon 66 of COL11A2: This variant is not expected to have clinica l significance because it does not alter an amino acid residue and is not locate d within the splice consensus sequence. It has been identified in 4/8516 of East Asian chromosomes by the Exome Aggregation Consortium (ExAC; dbSNP rs752823488).

PreventionGenetics, part of Exact Sciences
Classification: Likely benign for COL11A2-related condition. Last evaluated: 2019-07-15. Review status: no assertion criteria provided. Collection method: clinical testing. Allele origin: germline. Not counted in ClinVar's aggregate classification.
Comment: This variant is classified as likely benign based on ACMG/AMP sequence variant interpretation guidelines (Richards et al. 2015 PMID: 25741868, with internal and published modifications).

NM_080680.3(COL11A2):c.5106G>A (p.Thr1702=)

Gene: COL11A2 (collagen type XI alpha 2 chain; minus strand). Cytogenetic location: 6p21.32.
Variant type: single nucleotide variant.
Coding change: c.5106G>A on transcript NM_080680.3 (MANE Select); coding-DNA position 5106, G replaced by A.
Protein change: p.Thr1702=; no amino-acid change (threonine 1702 retained).
Molecular consequence: synonymous variant.
Genome position (GRCh38, 1-based): chr6:33,163,783, C>T on the plus strand (G>A on the coding strand, the complement: COL11A2 is on the minus strand). VCF-style: chr6-33163783-C-T. GRCh37 (hg19) VCF-style: chr6-33131560-C-T.
Other names: c.4785G>A, p.Thr1595= (NM_080679.3); c.4848G>A, p.Thr1616= (NM_080681.3).
Identifiers: ClinVar variation 291006 (VCV000291006.20), dbSNP rs752823488, ClinGen allele CA3749903.